The following is an entry in ClinVar:

NM_014714.4(IFT140):c.1009+1G>T

Genes: IFT140 (intraflagellar transport 140; minus strand), LOC105371046 (uncharacterized LOC105371046; plus strand). Cytogenetic location: 16p13.3.
Variant type: single nucleotide variant.
Coding change: c.1009+1G>T on transcript NM_014714.4 (MANE Select); the canonical splice donor site of the intron after coding-DNA position 1009, G replaced by T.
Molecular consequence: splice donor variant.
Genome position (GRCh38, 1-based): chr16:1,587,197, C>A on the plus strand (G>T on the coding strand, the complement: IFT140 is on the minus strand). VCF-style: chr16-1587197-C-A. GRCh37 (hg19) VCF-style: chr16-1637198-C-A.
Other names: c.1009+1G>T (NM_014714.3).
Identifiers: ClinVar variation 1955567 (VCV001955567.9), dbSNP rs1221367358, ClinGen allele CA394216559.

ClinVar aggregate classification (germline): Likely pathogenic. Review status: criteria provided, multiple submitters, no conflicts (2 of 4 stars). 4 submissions from 4 submitters: Likely pathogenic (4). Last evaluated 2026-08-10.

Conditions:
IFT140-related disorder. Also called: IFT140-related condition.
Retinitis pigmentosa (RP). Identifiers: Orphanet 791, MedGen C0035334, MeSH D012174, MONDO:0019200, OMIM 268000. Inheritance: Autosomal dominant, autosomal recessive and X linked inheritance.
Saldino-Mainzer syndrome (SRTD9). Also called: CONORENAL SYNDROME; short-rib thoracic dysplasia 9 with or without polydactyly; Renal dysplasia, retinal pigmentary dystrophy, cerebellar ataxia and skeletal dysplasia; SHORT-RIB THORACIC DYSPLASIA 9 WITHOUT POLYDACTYLY. Identifiers: Orphanet 140969, MedGen C1849437, MONDO:0009964, OMIM 266920.
Retinitis pigmentosa 80 (RP80). Identifiers: MedGen C4540439, MONDO:0054708, OMIM 617781.

Allele frequency attached by ClinVar (database versions not stated): gnomAD 0.00001; TOPMed 0.00002.
gnomAD v4.1: 5 of 1,594,270 alleles (0.00031%); highest among the groups gnomAD compares: African/African-American, 0.004%; no homozygotes.

Submissions (4):

PreventionGenetics, part of Exact Sciences
Classification: Likely pathogenic for IFT140-related condition. Last evaluated: 2026-08-10. Review status: criteria provided, single submitter. Criteria: ACMG Guidelines, 2015. Collection method: clinical testing. Allele origin: germline.
Comment: The IFT140 c.1009+1G>T variant is predicted to disrupt the GT donor site and interfere with normal splicing. To our knowledge, this variant has not been reported in the literature. This variant is present in 0.011% of alleles in individuals of African descent in gnomAD. Variants that disrupt the consensus splice donor site in IFT140 are expected to be pathogenic. This variant is interpreted as likely pathogenic.

Labcorp Genetics (formerly Invitae), Labcorp
Classification: Likely pathogenic for Saldino-Mainzer syndrome. Last evaluated: 2025-08-15. Review status: criteria provided, single submitter. Criteria: Invitae Variant Classification Sherloc (09022015). Collection method: clinical testing. Allele origin: germline.
Comment: This sequence change affects a donor splice site in intron 9 of the IFT140 gene. It is expected to disrupt RNA splicing. Variants that disrupt the donor or acceptor splice site typically lead to a loss of protein function (PMID: 16199547), and loss-of-function variants in IFT140 are known to be pathogenic (PMID: 22503633, 23418020, 24009529, 26216056). This variant is present in population databases (no rsID available, gnomAD 0.01%). This variant has not been reported in the literature in individuals affected with IFT140-related conditions. ClinVar contains an entry for this variant (Variation ID: 1955567). Algorithms developed to predict the effect of sequence changes on RNA splicing suggest that this variant may disrupt the consensus splice site. In summary, the currently available evidence indicates that the variant is pathogenic, but additional data are needed to prove that conclusively. Therefore, this variant has been classified as Likely Pathogenic.

Women's Health and Genetics/Laboratory Corporation of America, LabCorp
Classification: Likely pathogenic for Retinitis pigmentosa. Last evaluated: 2025-03-14. Review status: criteria provided, single submitter. Criteria: LabCorp Variant Classification Summary - May 2015. Collection method: clinical testing. Allele origin: germline.
Comment: Variant summary: IFT140 c.1009+1G>T is located in a canonical splice-site and is predicted to affect mRNA splicing resulting in a significantly altered protein due to either exon skipping, shortening, or inclusion of intronic material. Variants that disrupt the consensus splice site are a relatively common cause of aberrant splicing and loss of IFT140 function. Several computational tools predict a significant impact on normal splicing: Four predict the variant abolishes a 5' splicing donor site. However, these predictions have yet to be confirmed by functional studies. The variant was absent in 251220 control chromosomes. To our knowledge, no occurrence of c.1009+1G>T in individuals affected with Retinitis Pigmentosa and no experimental evidence demonstrating its impact on protein function have been reported. ClinVar contains an entry for this variant (Variation ID: 1955567). Based on the evidence outlined above, the variant was classified as likely pathogenic.

Fulgent Genetics
Classification: Likely pathogenic for Saldino-Mainzer syndrome; Retinitis pigmentosa 80. Last evaluated: 2024-01-14. Review status: criteria provided, single submitter. Criteria: ACMG Guidelines, 2015. Collection method: clinical testing. Allele origin: germline.

Literature cited by the submitters: PubMed 16199547 (cited by Labcorp Genetics (formerly Invitae), Labcorp); PubMed 22503633 (cited by Labcorp Genetics (formerly Invitae), Labcorp); PubMed 23418020 (cited by Labcorp Genetics (formerly Invitae), Labcorp); PubMed 24009529 (cited by Labcorp Genetics (formerly Invitae), Labcorp); PubMed 26216056 (cited by Labcorp Genetics (formerly Invitae), Labcorp).